The following is an entry in ClinVar:

NM_139076.3(ABRAXAS1):c.28C>G (p.Leu10Val)

Genes: ABRAXAS1 (abraxas 1, BRCA1 A complex subunit; minus strand), LOC129992784 (ATAC-STARR-seq lymphoblastoid silent region 15542; plus strand). Cytogenetic location: 4q21.23.
Variant type: single nucleotide variant.
Coding change: c.28C>G on transcript NM_139076.3 (MANE Select); coding-DNA position 28, C replaced by G.
Protein change: p.Leu10Val; replaces leucine 10 with valine.
Molecular consequence: missense variant. On other transcripts: 5 prime UTR variant (1).
Genome position (GRCh38, 1-based): chr4:83,485,045, G>C on the plus strand (C>G on the coding strand, the complement: ABRAXAS1 is on the minus strand). VCF-style: chr4-83485045-G-C. GRCh37 (hg19) VCF-style: chr4-84406198-G-C.
Other names: c.28C>G (NM_139076.2); c.-233C>G (NM_001345962.2); short protein forms L10V.
Identifiers: ClinVar variation 1007348 (VCV001007348.11), dbSNP rs895516689, ClinGen allele CA357264051.

ClinVar aggregate classification (germline): Uncertain significance. Review status: criteria provided, multiple submitters, no conflicts (2 of 4 stars). 3 submissions from 3 submitters: Uncertain significance (3). Last evaluated 2025-10-23.

Allele frequency attached by ClinVar (database versions not stated): gnomAD 0.00001; TOPMed 0.00001.

Submissions (3):

Women's Health and Genetics/Laboratory Corporation of America, LabCorp
Classification: Uncertain significance. Last evaluated: 2025-10-23. Review status: criteria provided, single submitter. Criteria: LabCorp Variant Classification Summary - May 2015. Collection method: clinical testing. Allele origin: germline.

Ambry Genetics
Classification: Uncertain significance. Last evaluated: 2024-11-16. Review status: criteria provided, single submitter. Criteria: Ambry Variant Classification Scheme 2023. Collection method: clinical testing. Allele origin: germline.
Comment: The p.L10V variant (also known as c.28C>G), located in coding exon 1 of the FAM175A gene, results from a C to G substitution at nucleotide position 28. The leucine at codon 10 is replaced by valine, an amino acid with highly similar properties. This amino acid position is conserved. In addition, this alteration is predicted to be tolerated by in silico analysis. Based on the available evidence, the clinical significance of this variant remains unclear.

Labcorp Genetics (formerly Invitae), Labcorp
Classification: Uncertain significance. Last evaluated: 2023-02-16. Review status: criteria provided, single submitter. Criteria: Invitae Variant Classification Sherloc (09022015). Collection method: clinical testing. Allele origin: germline.
Comment: In summary, the available evidence is currently insufficient to determine the role of this variant in disease. Therefore, it has been classified as a Variant of Uncertain Significance. Advanced modeling of protein sequence and biophysical properties (such as structural, functional, and spatial information, amino acid conservation, physicochemical variation, residue mobility, and thermodynamic stability) performed at Invitae indicates that this missense variant is not expected to disrupt ABRAXAS1 protein function. ClinVar contains an entry for this variant (Variation ID: 1007348). This variant has not been reported in the literature in individuals affected with ABRAXAS1-related conditions. This variant is not present in population databases (gnomAD no frequency). This sequence change replaces leucine, which is neutral and non-polar, with valine, which is neutral and non-polar, at codon 10 of the ABRAXAS1 protein (p.Leu10Val).